The following is an entry in ClinVar:

ClinVar aggregate classification (germline): Uncertain significance (1 of 4 stars; one submission).

Submission:

GeneDx
Classification: Uncertain significance. Last evaluated: 2022-03-25. Review status: criteria provided, single submitter. Criteria: GeneDx Variant Classification Process June 2021. Collection method: clinical testing. Allele origin: germline. Affected: yes.
Comment: Not observed at significant frequency in large population cohorts (gnomAD); Canonical splice site variant in a gene for which loss-of-function is not a known mechanism of disease; Has not been previously published as pathogenic or benign to our knowledge

NM_007192.4(SUPT16H):c.2791-2A>C

Gene: SUPT16H (SPT16 homolog, facilitates chromatin remodeling subunit; minus strand). Cytogenetic location: 14q11.2.
Variant type: single nucleotide variant.
Coding change: c.2791-2A>C on transcript NM_007192.4 (MANE Select); the canonical splice acceptor site of the intron before coding-DNA position 2791, A replaced by C.
Molecular consequence: splice acceptor variant.
Genome position (GRCh38, 1-based): chr14:21,353,834, T>G on the plus strand (A>C on the coding strand, the complement: SUPT16H is on the minus strand). VCF-style: chr14-21353834-T-G. GRCh37 (hg19) VCF-style: chr14-21821993-T-G.
Identifiers: ClinVar variation 1676404 (VCV001676404.2), dbSNP rs2139393798, ClinGen allele CA388859915.